The following is an entry in ClinVar:

NM_014727.3(KMT2B):c.4804G>A (p.Gly1602Arg)

Gene: KMT2B (lysine methyltransferase 2B; plus strand). Cytogenetic location: 19q13.12.
Variant type: single nucleotide variant.
Coding change: c.4804G>A on transcript NM_014727.3 (MANE Select); coding-DNA position 4804, G replaced by A.
Protein change: p.Gly1602Arg; replaces glycine 1602 with arginine.
Molecular consequence: missense variant.
Genome position (GRCh38, 1-based): chr19:35,729,183, G>A. VCF-style: chr19-35729183-G-A. GRCh37 (hg19) VCF-style: chr19-36220084-G-A.
Other names: short protein forms G1602R.
Identifiers: ClinVar variation 5020887 (VCV005020887.1).

ClinVar aggregate classification (germline): Uncertain significance (1 of 4 stars; one submission).

gnomAD v4.1: 7 of 1,613,084 alleles (0.00043%); highest among the groups gnomAD compares: Non-Finnish European, 0.00059%; no homozygotes.

Submission:

Dasa
Classification: Uncertain significance. Last evaluated: 2026-08-01. Review status: criteria provided, single submitter. Criteria: DASA Assertion Criteria. Collection method: clinical testing. Allele origin: germline.
Comment: NM_014727.3(KMT2B):c.4804G>A (p.Gly1602Arg) is a missense variant that results in the substitution of glycine with arginine. This variant is rare in population databases. Computational prediction algorithms are consistent with a deleterious effect. The currently available literature and clinical evidence are not sufficient to establish a definitive association between this variant and the reported condition. Therefore, this variant is classified as a variant of uncertain significance.